The following is an entry in ClinVar:

NM_000551.4(VHL):c.490C>A (p.Gln164Lys)

Genes: VHL (von Hippel-Lindau tumor suppressor; plus strand), LOC107303340 (3p25 von Hippel-Lindau tumor suppressor, E3 ubiquitin protein ligase Alu-mediated recombination region; plus strand). Cytogenetic location: 3p25.3.
Variant type: single nucleotide variant.
Coding change: c.490C>A on transcript NM_000551.4 (MANE Select); coding-DNA position 490, C replaced by A.
Protein change: p.Gln164Lys; replaces glutamine 164 with lysine.
Molecular consequence: missense variant. On other transcripts: 3 prime UTR variant (1).
Genome position (GRCh38, 1-based): chr3:10,149,813, C>A. VCF-style: chr3-10149813-C-A. GRCh37 (hg19) VCF-style: chr3-10191497-C-A.
Other names: c.367C>A, p.Gln123Lys (NM_198156.3); c.*44C>A (NM_001354723.2); short protein forms Q123K, Q164K.
Identifiers: ClinVar variation 1172856 (VCV001172856.1), dbSNP rs5030819, ClinGen allele CA351756143.

ClinVar aggregate classification (germline): Uncertain significance (1 of 4 stars; one submission).

Submission:

Women's Health and Genetics/Laboratory Corporation of America, LabCorp
Classification: Uncertain significance. Last evaluated: 2021-06-07. Review status: criteria provided, single submitter. Criteria: LabCorp Variant Classification Summary - May 2015. Collection method: clinical testing. Allele origin: germline.
Comment: Variant summary: VHL c.490C>A (p.Gln164Lys) results in a conservative amino acid change located in the beta/alpha domain (IPR022772) of the encoded protein sequence. Four of five in-silico tools predict a damaging effect of the variant on protein function. The variant was absent in 251444 control chromosomes. The available data on variant occurrences in the general population are insufficient to allow any conclusion about variant significance. To our knowledge, no occurrence of c.490C>A in individuals affected with Von Hippel-Lindau Syndrome and no experimental evidence demonstrating its impact on protein function have been reported. A variant resulting in a different amino acid substitution at this position (c.491A>G, p.Gln164Arg) has been classified as pathogenic by our laboratory, suggesting that this region may be functionally important. No clinical diagnostic laboratories have submitted clinical-significance assessments for this variant to ClinVar after 2014. Based on the evidence outlined above, the variant was classified as uncertain significance.

Literature cited by the submitters: PubMed 27179072.